The following is an entry in ClinVar:

ClinVar aggregate classification (germline): Uncertain significance (1 of 4 stars; one submission).

Allele frequency attached by ClinVar (database versions not stated): gnomAD exomes below 0.00001; gnomAD 0.00001.
gnomAD v4.1: 4 of 1,612,232 alleles (0.00025%); highest among the groups gnomAD compares: South Asian, 0.0044%; no homozygotes.

Submission:

Labcorp Genetics (formerly Invitae), Labcorp
Classification: Uncertain significance. Last evaluated: 2022-05-30. Review status: criteria provided, single submitter. Criteria: Invitae Variant Classification Sherloc (09022015). Collection method: clinical testing. Allele origin: germline.
Comment: In summary, the available evidence is currently insufficient to determine the role of this variant in disease. Therefore, it has been classified as a Variant of Uncertain Significance. This sequence change replaces arginine, which is basic and polar, with histidine, which is basic and polar, at codon 41 of the NEUROG3 protein (p.Arg41His). The frequency data for this variant in the population databases is considered unreliable, as metrics indicate poor data quality at this position in the gnomAD database. This variant has not been reported in the literature in individuals affected with NEUROG3-related conditions. Algorithms developed to predict the effect of missense changes on protein structure and function output the following: SIFT: "Tolerated"; PolyPhen-2: "Benign"; Align-GVGD: "Class C0". The histidine amino acid residue is found in multiple mammalian species, which suggests that this missense change does not adversely affect protein function.

NM_020999.4(NEUROG3):c.122G>A (p.Arg41His)

Gene: NEUROG3 (neurogenin 3; minus strand). Cytogenetic location: 10q22.1.
Variant type: single nucleotide variant.
Coding change: c.122G>A on transcript NM_020999.4 (MANE Select); coding-DNA position 122, G replaced by A.
Protein change: p.Arg41His; replaces arginine 41 with histidine.
Molecular consequence: missense variant.
Genome position (GRCh38, 1-based): chr10:69,572,922, C>T on the plus strand (G>A on the coding strand, the complement: NEUROG3 is on the minus strand). VCF-style: chr10-69572922-C-T. GRCh37 (hg19) VCF-style: chr10-71332678-C-T.
Other names: short protein forms R41H.
Identifiers: ClinVar variation 2092750 (VCV002092750.4), dbSNP rs1265007650, ClinGen allele CA376923141.